The following is an entry in ClinVar:

NM_032444.4(SLX4):c.90C>T (p.Ser30=)

Gene: SLX4 (SLX4 structure-specific endonuclease subunit; minus strand). Cytogenetic location: 16p13.3.
Variant type: single nucleotide variant.
Coding change: c.90C>T on transcript NM_032444.4 (MANE Select); coding-DNA position 90, C replaced by T.
Protein change: p.Ser30=; no amino-acid change (serine 30 retained).
Molecular consequence: synonymous variant.
Genome position (GRCh38, 1-based): chr16:3,608,875, G>A on the plus strand (C>T on the coding strand, the complement: SLX4 is on the minus strand). VCF-style: chr16-3608875-G-A. GRCh37 (hg19) VCF-style: chr16-3658876-G-A.
Other names: c.90C>T (LRG_503t1).
Identifiers: ClinVar variation 241701 (VCV000241701.65), dbSNP rs118089506, ClinGen allele CA7866954.

ClinVar aggregate classification (germline): Benign/Likely benign. Review status: criteria provided, multiple submitters, no conflicts (2 of 4 stars). 12 submissions from 12 submitters: Benign (5); Likely benign (6). 1 of the submissions does not count toward it. Last evaluated 2026-09-01.

Conditions:
Fanconi anemia (FA). Also called: Fanconi's anemia. Identifiers: Orphanet 84, MedGen C0015625, MeSH D005199, MONDO:0019391.
Fanconi anemia complementation group P. Also called: SLX4-Related Fanconi Anemia. Identifiers: Orphanet 84, MedGen C3469542, MONDO:0013499, OMIM 613951.

Allele frequency attached by ClinVar (database versions not stated): 1000 Genomes Project 30x 0.00453; 1000 Genomes Project 0.00479; ESP Exome Variant Server 0.00546; ExAC 0.00582; gnomAD exomes 0.00604 and 0.00857; gnomAD 0.00612 and 0.00617; TOPMed 0.00641.
gnomAD v4.1: 13,438 of 1,614,138 alleles (0.83%); highest among the groups gnomAD compares: Non-Finnish European, 0.98%; 70 homozygotes.

Submissions (12):

CeGaT Center for Human Genetics Tuebingen
Classification: Likely benign. Last evaluated: 2026-09-01. Review status: criteria provided, single submitter. Criteria: CeGaT Center For Human Genetics Tuebingen Variant Classification Criteria Version 2. Collection method: clinical testing. Allele origin: germline. Affected: yes. Observed: 73 variant alleles.
Comment: SLX4: BP4, BP7, BS2

Labcorp Genetics (formerly Invitae), Labcorp
Classification: Benign for Fanconi anemia. Last evaluated: 2026-02-01. Review status: criteria provided, single submitter. Criteria: Invitae Variant Classification Sherloc (09022015). Collection method: clinical testing. Allele origin: germline.

Blueprint Genetics
Classification: Likely benign. Last evaluated: 2024-11-27. Review status: criteria provided, single submitter. Criteria: ACMG Guidelines, 2015. Collection method: clinical testing. Allele origin: germline.

ARUP Laboratories, Molecular Genetics and Genomics, ARUP Laboratories
Classification: Benign for Fanconi anemia complementation group P. Last evaluated: 2024-01-05. Review status: criteria provided, single submitter. Criteria: ARUP Molecular Germline Variant Investigation Process 2024. Collection method: clinical testing. Allele origin: germline.

KCCC/NGS Laboratory, Kuwait Cancer Control Center
Classification: Benign for Fanconi anemia complementation group P. Last evaluated: 2023-07-07. Review status: criteria provided, single submitter. Criteria: ACMG Guidelines, 2015. Collection method: clinical testing. Allele origin: germline. Affected: yes.

GeneDx
Classification: Likely benign. Last evaluated: 2021-09-22. Review status: criteria provided, single submitter. Criteria: GeneDx Variant Classification Process June 2021. Collection method: clinical testing. Allele origin: germline. Affected: yes.
Comment: This variant is associated with the following publications: (PMID: 22383991)

Fulgent Genetics
Classification: Likely benign for Fanconi anemia complementation group P. Last evaluated: 2021-07-26. Review status: criteria provided, single submitter. Criteria: ACMG Guidelines, 2015. Collection method: clinical testing. Allele origin: unknown.

Genetic Services Laboratory, University of Chicago
Classification: Likely benign. Last evaluated: 2021-01-11. Review status: criteria provided, single submitter. Criteria: ACMG Guidelines, 2015. Collection method: clinical testing. Allele origin: germline. Affected: no.

Sema4
Classification: Benign for Fanconi anemia. Last evaluated: 2020-07-28. Review status: criteria provided, single submitter. Criteria: Sema4 Curation Guidelines. Collection method: curation. Allele origin: germline.

Illumina Laboratory Services, Illumina
Classification: Benign for Fanconi anemia complementation group P. Last evaluated: 2017-04-27. Review status: criteria provided, single submitter. Criteria: ICSL Variant Classification Criteria 13 December 2019. Collection method: clinical testing. Allele origin: germline.
Comment: This variant was observed as part of a predisposition screen in an ostensibly healthy population. A literature search was performed for the gene, cDNA change, and amino acid change (where applicable). No publications were found based on this search. Allele frequency data from public databases was too high to be consistent with this variant causing disease. Therefore, this variant is classified as benign.

Breakthrough Genomics
Classification: Likely benign. Review status: criteria provided, single submitter. Criteria: ACMG Guidelines, 2015. Collection method: not provided. Allele origin: germline. Inheritance: Autosomal recessive inheritance. Affected: yes.

Leiden Open Variation Database
Classification: Likely benign. Last evaluated: 2012-08-31. Review status: no assertion criteria provided. Collection method: curation. Allele origin: germline. Affected: yes. Not counted in ClinVar's aggregate classification.
Comment: Curator: Arleen D. Auerbach. Submitter to LOVD: Janine Bakker.

Literature cited by the submitters: PubMed 22911665 (cited by Leiden Open Variation Database).